The following is an entry in ClinVar:

ClinVar aggregate classification (germline): Pathogenic. Review status: criteria provided, multiple submitters, no conflicts (2 of 4 stars). 4 submissions from 4 submitters: Pathogenic (4). Last evaluated 2026-05-29.

Conditions:
Retinoblastoma (RB1). Also called: RETINOBLASTOMA, SOMATIC. Identifiers: Orphanet 790, MedGen C0035335, MeSH D012175, MONDO:0008380, OMIM 180200, HP:0009919. Disease mechanism: loss of function. Inheritance: Both sporadic and heritable forms are tested..

Submissions (4):

Diller/Parad Lab, Dana-Farber/Harvard Cancer Center
Classification: Pathogenic for Retinoblastoma. Last evaluated: 2026-05-29. Review status: criteria provided, single submitter. Criteria: ACMG Guidelines, 2015. Collection method: research. Allele origin: germline. Affected: yes.
Comment: It has been classified as Pathogenic using Richards et al (PMID:25741868) based on the following evidence codes: PM2, PVS1, PP3.

Genetic Diagnostic Laboratory, University of Pennsylvania School of Medicine
Classification: Pathogenic for Retinoblastoma. Last evaluated: 2024-05-20. Review status: criteria provided, single submitter. Criteria: ACMG Guidelines, 2015. Collection method: clinical testing. Allele origin: germline. Affected: yes. Observed: 2 variant alleles.
Comment: Case and Pedigree Information: BILATERAL CASES:0, UNILATERAL CASES:2, TOTAL CASES:2, PEDIGREES:2. ACMG Codes Applied:PVS1, PM2

Labcorp Genetics (formerly Invitae), Labcorp
Classification: Pathogenic for Retinoblastoma. Last evaluated: 2023-07-10. Review status: criteria provided, single submitter. Criteria: Invitae Variant Classification Sherloc (09022015). Collection method: clinical testing. Allele origin: germline.
Comment: For these reasons, this variant has been classified as Pathogenic. Algorithms developed to predict the effect of sequence changes on RNA splicing suggest that this variant may disrupt the consensus splice site. ClinVar contains an entry for this variant (Variation ID: 126834). This variant is also known as IVS13+1G>A, g.73870G>A or g.73869+1G>A. Disruption of this splice site has been observed in individuals with retinoblastoma (PMID: 8651278, 12402348, 15605413). This variant is not present in population databases (gnomAD no frequency). This sequence change affects a donor splice site in intron 13 of the RB1 gene. It is expected to disrupt RNA splicing. Variants that disrupt the donor or acceptor splice site typically lead to a loss of protein function (PMID: 16199547), and loss-of-function variants in RB1 are known to be pathogenic (PMID: 17096365).

GeneDx
Classification: Pathogenic. Last evaluated: 2022-06-29. Review status: criteria provided, single submitter. Criteria: GeneDx Variant Classification Process June 2021. Collection method: clinical testing. Allele origin: germline. Affected: yes.
Comment: Canonical splice site variant expected to result in aberrant splicing, although in the absence of functional evidence the actual effect of this sequence change is unknown.; Not observed at significant frequency in large population cohorts (gnomAD); Also known as g.73869+1G>A; This variant is associated with the following publications: (PMID: 25525159, 15605413, 12402348, 8651278, 23516486, 30996590)

Literature cited by the submitters: PubMed 8651278 (cited by Labcorp Genetics (formerly Invitae), Labcorp); PubMed 12402348 (cited by Labcorp Genetics (formerly Invitae), Labcorp); PubMed 15605413 (cited by Labcorp Genetics (formerly Invitae), Labcorp); PubMed 16199547 (cited by Labcorp Genetics (formerly Invitae), Labcorp); PubMed 17096365 (cited by Labcorp Genetics (formerly Invitae), Labcorp).

NM_000321.3(RB1):c.1332+1G>A

Gene: RB1 (RB transcriptional corepressor 1; plus strand). Cytogenetic location: 13q14.2.
Variant type: single nucleotide variant.
Coding change: c.1332+1G>A on transcript NM_000321.3 (MANE Select); the canonical splice donor site of the intron after coding-DNA position 1332, G replaced by A.
Molecular consequence: splice donor variant.
Genome position (GRCh38, 1-based): chr13:48,377,035, G>A. VCF-style: chr13-48377035-G-A. GRCh37 (hg19) VCF-style: chr13-48951171-G-A.
Other names: L11910:g.73870G>A; c.1332+1G>A (NM_001407165.1, NM_001407166.1).
Identifiers: ClinVar variation 126834 (VCV000126834.11), dbSNP rs587778846, ClinGen allele CA026369.